The following is an entry in ClinVar:

NM_005475.3(SH2B3):c.992C>G (p.Pro331Arg)

Gene: SH2B3 (SH2B adaptor protein 3; plus strand). Cytogenetic location: 12q24.12.
Variant type: single nucleotide variant.
Coding change: c.992C>G on transcript NM_005475.3 (MANE Select); coding-DNA position 992, C replaced by G.
Protein change: p.Pro331Arg; replaces proline 331 with arginine.
Molecular consequence: missense variant.
Genome position (GRCh38, 1-based): chr12:111,447,190, C>G. VCF-style: chr12-111447190-C-G. GRCh37 (hg19) VCF-style: chr12-111884994-C-G.
Other names: c.386C>G, p.Pro129Arg (NM_001291424.1); short protein forms P129R, P331R.
Identifiers: ClinVar variation 5029527 (VCV005029527.1).

ClinVar aggregate classification (germline): Uncertain significance (1 of 4 stars; one submission).

Conditions:
Inborn genetic diseases. Identifiers: MedGen C0950123, MeSH D030342.

Submission:

Ambry Genetics
Classification: Uncertain significance for Inborn genetic diseases. Last evaluated: 2026-09-14. Review status: criteria provided, single submitter. Criteria: Ambry Variant Classification Scheme 2023. Collection method: clinical testing. Allele origin: germline.
Comment: The p.P331R variant (also known as c.992C>G), located in coding exon 4 of the SH2B3 gene, results from a C to G substitution at nucleotide position 992. The proline at codon 331 is replaced by arginine, an amino acid with dissimilar properties. This amino acid position is conserved. In addition, this alteration is predicted to be tolerated by in silico analysis. Based on the available evidence, the clinical significance of this variant remains unclear.